The following is an entry in ClinVar:

NM_000168.6(GLI3):c.3439G>A (p.Glu1147Lys)

Gene: GLI3 (GLI family zinc finger 3; minus strand). Cytogenetic location: 7p14.1.
Variant type: single nucleotide variant.
Coding change: c.3439G>A on transcript NM_000168.6 (MANE Select); coding-DNA position 3439, G replaced by A.
Protein change: p.Glu1147Lys; replaces glutamic acid 1147 with lysine.
Molecular consequence: missense variant.
Genome position (GRCh38, 1-based): chr7:41,965,634, C>T on the plus strand (G>A on the coding strand, the complement: GLI3 is on the minus strand). VCF-style: chr7-41965634-C-T. GRCh37 (hg19) VCF-style: chr7-42005232-C-T.
Other names: short protein forms E1147K.
Identifiers: ClinVar variation 5001945 (VCV005001945.1).

ClinVar aggregate classification (germline): Uncertain significance (1 of 4 stars; one submission).

Conditions:
GLI3-related disorder. Also called: GLI3-related condition; GLI3-related disorders. Identifiers: MedGen CN239292.

gnomAD v4.1: 4 of 1,611,366 alleles (0.00025%); highest among the groups gnomAD compares: East Asian, 0.0022%; no homozygotes.

Submission:

PreventionGenetics, part of Exact Sciences
Classification: Uncertain significance for GLI3-related condition. Last evaluated: 2025-07-05. Review status: criteria provided, single submitter. Criteria: ACMG Guidelines, 2015. Collection method: clinical testing. Allele origin: germline.
Comment: The GLI3 c.3439G>A variant is predicted to result in the amino acid substitution p.Glu1147Lys. To our knowledge, this variant has not been reported in the literature or in a large population database (gnomAD), indicating this variant is rare. At this time, the clinical significance of this variant is uncertain due to the absence of conclusive functional and genetic evidence.